The following is an entry in ClinVar:

ClinVar aggregate classification (germline): Uncertain significance (0 of 4 stars; one submission).

Conditions:
HEPACAM-related disorder. Also called: HEPACAM-related condition.

Submission:

PreventionGenetics, part of Exact Sciences
Classification: Uncertain significance for HEPACAM-related condition. Last evaluated: 2024-08-26. Review status: no assertion criteria provided. Collection method: clinical testing. Allele origin: germline.
Comment: The HEPACAM c.841T>C variant is predicted to result in the amino acid substitution p.Tyr281His. To our knowledge, this variant has not been reported in the literature. This variant is reported in 0.012% of alleles in individuals of African descent in gnomAD. At this time, the clinical significance of this variant is uncertain due to the absence of conclusive functional and genetic evidence.

NM_152722.5(HEPACAM):c.841T>C (p.Tyr281His)

Gene: HEPACAM (hepatic and glial cell adhesion molecule; minus strand). Cytogenetic location: 11q24.2.
Variant type: single nucleotide variant.
Coding change: c.841T>C on transcript NM_152722.5 (MANE Select); coding-DNA position 841, T replaced by C.
Protein change: p.Tyr281His; replaces tyrosine 281 with histidine.
Molecular consequence: missense variant.
Genome position (GRCh38, 1-based): chr11:124,922,781, A>G on the plus strand (T>C on the coding strand, the complement: HEPACAM is on the minus strand). VCF-style: chr11-124922781-A-G. GRCh37 (hg19) VCF-style: chr11-124792677-A-G.
Other names: c.841T>C, p.Tyr281His (NM_001411043.1); short protein forms Y281H.
Identifiers: ClinVar variation 3358287 (VCV003358287.1).